The following is an entry in ClinVar:

ClinVar aggregate classification (germline): Conflicting classifications of pathogenicity. Review status: criteria provided, conflicting classifications (1 of 4 stars). 2 submissions from 2 submitters: Likely pathogenic (1); Uncertain significance (1). Last evaluated 2024-09-04.

Conditions:
Hypertrophic cardiomyopathy 9. Also called: Familial hypertrophic cardiomyopathy 9. Identifiers: MedGen C1861065, MONDO:0013412, OMIM 613765.
Tibial muscular dystrophy (TMD). Also called: UDD MYOPATHY; Udd Distal Myopathy – Tibial Muscular Dystrophy; Tibial muscular dystrophy, tardive. Identifiers: Orphanet 609, MedGen C1838244, MONDO:0010870, OMIM 600334.
Early-onset myopathy with fatal cardiomyopathy (CMYO5). Also called: Salih Myopathy; CONGENITAL MYOPATHY 5 WITH CARDIOMYOPATHY. Identifiers: Orphanet 289377, MedGen C2673677, MONDO:0012714, OMIM 611705. Disease mechanism: loss of function.
Myopathy, myofibrillar, 9, with early respiratory failure (MFM9). Also called: MYOPATHY, PROXIMAL, WITH EARLY RESPIRATORY MUSCLE INVOLVEMENT; Hereditary myopathy with early respiratory failure; EDSTROM MYOPATHY; Myopathy, distal, with early respiratory failure, autosomal dominant. Identifiers: Orphanet 178464, Orphanet 34521, MedGen C1863599, MONDO:0011362, OMIM 603689.
Dilated cardiomyopathy 1G (CMD1G). Identifiers: Orphanet 154, MedGen C1858763, MONDO:0011400, OMIM 604145.
Autosomal recessive limb-girdle muscular dystrophy type 2J (LGMDR10). Also called: Limb-girdle muscular dystrophy, type 2J; MUSCULAR DYSTROPHY, LIMB-GIRDLE, AUTOSOMAL RECESSIVE 10. Identifiers: Orphanet 140922, MedGen C1837342, MONDO:0012127, OMIM 608807.

Submissions (2):

Labcorp Genetics (formerly Invitae), Labcorp
Classification: Likely pathogenic for Dilated cardiomyopathy 1G; Autosomal recessive limb-girdle muscular dystrophy type 2J. Last evaluated: 2024-09-04. Review status: criteria provided, single submitter. Criteria: Invitae Variant Classification Sherloc (09022015). Collection method: clinical testing. Allele origin: germline.
Comment: This sequence change creates a premature translational stop signal (p.Pro13180Leufs*17) in the TTN gene. While this is not anticipated to result in nonsense mediated decay, it is expected to create a truncated TTN protein. This variant is not present in population databases (gnomAD no frequency). This variant has not been reported in the literature in individuals affected with TTN-related conditions. ClinVar contains an entry for this variant (Variation ID: 1045585). This variant is located in the I band of TTN (PMID: 25589632). Truncating variants in this region have been reported in individuals affected with autosomal recessive centronuclear myopathy (PMID: 23975875, internal data). Truncating variants in this region have also been identified in individuals affected with autosomal dominant dilated cardiomyopathy and/or cardio-related conditions (PMID: 27869827, 32964742, internal data). In summary, the currently available evidence indicates that the variant is pathogenic, but additional data are needed to prove that conclusively. Therefore, this variant has been classified as Likely Pathogenic.

Fulgent Genetics
Classification: Uncertain significance for Tibial muscular dystrophy; Myopathy, myofibrillar, 9, with early respiratory failure; Dilated cardiomyopathy 1G; Autosomal recessive limb-girdle muscular dystrophy type 2J; Early-onset myopathy with fatal cardiomyopathy; Hypertrophic cardiomyopathy 9. Last evaluated: 2021-07-12. Review status: criteria provided, single submitter. Criteria: ACMG Guidelines, 2015. Collection method: clinical testing. Allele origin: unknown.

Literature cited by the submitters: PubMed 25589632 (cited by Labcorp Genetics (formerly Invitae), Labcorp); PubMed 23975875 (cited by Labcorp Genetics (formerly Invitae), Labcorp); PubMed 27869827 (cited by Labcorp Genetics (formerly Invitae), Labcorp); PubMed 32964742 (cited by Labcorp Genetics (formerly Invitae), Labcorp).

NM_001267550.2(TTN):c.39539del (p.Pro13180fs)

Gene: TTN (titin; minus strand). Cytogenetic location: 2q31.2.
Variant type: Deletion.
Coding change: c.39539del on transcript NM_001267550.2 (MANE Select); coding-DNA position 39539, one base deleted (C; older notation c.39539delC).
Protein change: p.Pro13180fs; shifts the reading frame from proline 13180.
Molecular consequence: frameshift variant. On other transcripts: intron variant (3).
Genome position (GRCh38, 1-based): chr2:178,651,461, G deleted on the plus strand (C on the coding strand, the reverse complement: TTN is on the minus strand); the first of 2 consecutive G bases (chr2:178,651,461-178,651,462); deleting either gives the same sequence. VCF-style (leftmost placement, unchanged base first): chr2-178651460-AG-A. GRCh37 (hg19) VCF-style: chr2-179516187-AG-A.
Other names: c.35018del, p.Pro11673fs (NM_001256850.1); c.32237del, p.Pro10746fs (NM_133378.4); c.13283-9144del (NM_003319.4); c.13859-9144del (NM_133437.4); c.13658-9144del (NM_133432.3); short protein forms P13180fs, P11673fs, P10746fs.
Identifiers: ClinVar variation 1045585 (VCV001045585.10), dbSNP rs2062944024, ClinGen allele CA1310564573.